The following is an entry in ClinVar:

NM_014714.4(IFT140):c.*59T>C

Gene: IFT140 (intraflagellar transport 140; minus strand). Cytogenetic location: 16p13.3.
Variant type: single nucleotide variant.
Coding change: c.*59T>C on transcript NM_014714.4 (MANE Select); 59 bases downstream of the stop codon, T replaced by C.
Molecular consequence: 3 prime UTR variant.
Genome position (GRCh38, 1-based): chr16:1,510,885, A>G on the plus strand (T>C on the coding strand, the complement: IFT140 is on the minus strand). VCF-style: chr16-1510885-A-G. GRCh37 (hg19) VCF-style: chr16-1560886-A-G.
Identifiers: ClinVar variation 317981 (VCV000317981.10), dbSNP rs1053730, ClinGen allele CA10637169.

ClinVar aggregate classification (germline): Benign. Review status: criteria provided, multiple submitters, no conflicts (2 of 4 stars). 5 submissions from 4 submitters: Benign (5). Last evaluated 2021-07-14.

Conditions:
Saldino-Mainzer syndrome (SRTD9). Also called: Renal dysplasia, retinal pigmentary dystrophy, cerebellar ataxia and skeletal dysplasia; SHORT-RIB THORACIC DYSPLASIA 9 WITHOUT POLYDACTYLY; CONORENAL SYNDROME; short-rib thoracic dysplasia 9 with or without polydactyly. Identifiers: Orphanet 140969, MedGen C1849437, MONDO:0009964, OMIM 266920.
Retinitis pigmentosa 80 (RP80). Identifiers: MedGen C4540439, MONDO:0054708, OMIM 617781.

Allele frequency attached by ClinVar (database versions not stated): gnomAD exomes 0.26187; gnomAD 0.34317 and 0.34440; TOPMed 0.34401; 1000 Genomes Project 0.38978; 1000 Genomes Project 30x 0.39069.
gnomAD v4.1: 409,518 of 1,509,780 alleles (27%); highest among the groups gnomAD compares: African/African-American, 57%; 61,079 homozygotes.

Submissions (5):

Genome-Nilou Lab
Classification: Benign for Retinitis pigmentosa 80. Last evaluated: 2021-07-14. Review status: criteria provided, single submitter. Criteria: ACMG Guidelines, 2015. Collection method: clinical testing. Allele origin: germline. Affected: no.

Genome-Nilou Lab
Classification: Benign for Saldino-Mainzer syndrome. Last evaluated: 2021-07-14. Review status: criteria provided, single submitter. Criteria: ACMG Guidelines, 2015. Collection method: clinical testing. Allele origin: germline. Affected: no.

GeneDx
Classification: Benign. Last evaluated: 2021-05-12. Review status: criteria provided, single submitter. Criteria: GeneDx Variant Classification Process June 2021. Collection method: clinical testing. Allele origin: germline. Affected: yes.

Illumina Laboratory Services, Illumina
Classification: Benign for Saldino-Mainzer syndrome. Last evaluated: 2018-01-13. Review status: criteria provided, single submitter. Criteria: ICSL Variant Classification Criteria 13 December 2019. Collection method: clinical testing. Allele origin: germline.
Comment: This variant was observed in the ICSL laboratory as part of a predisposition screen in an ostensibly healthy population. It had not been previously curated by ICSL or reported in the Human Gene Mutation Database (HGMD: prior to June 1st, 2018), and was therefore a candidate for classification through an automated scoring system. Utilizing variant allele frequency, disease prevalence and penetrance estimates, and inheritance mode, an automated score was calculated to assess if this variant is too frequent to cause the disease. Based on the score and internal cut-off values, a variant classified as benign is not then subjected to further curation. The score for this variant resulted in a classification of benign for this disease.

Breakthrough Genomics
Classification: Benign. Review status: criteria provided, single submitter. Criteria: ACMG Guidelines, 2015. Collection method: not provided. Allele origin: germline. Inheritance: Autosomal recessive inheritance. Affected: yes.